The following is an entry in ClinVar:

ClinVar aggregate classification (germline): Uncertain significance (1 of 4 stars; one submission).

gnomAD v4.1: 1 of 1,613,784 alleles (0.000062%); highest among the groups gnomAD compares: African/African-American, 0.0013%; no homozygotes.

Submission:

Labcorp Genetics (formerly Invitae), Labcorp
Classification: Uncertain significance. Last evaluated: 2024-08-27. Review status: criteria provided, single submitter. Criteria: Invitae Variant Classification Sherloc (09022015). Collection method: clinical testing. Allele origin: germline.
Comment: This sequence change replaces leucine, which is neutral and non-polar, with proline, which is neutral and non-polar, at codon 891 of the CEP250 protein (p.Leu891Pro). This variant is present in population databases (rs544718528, gnomAD 0.003%). This variant has not been reported in the literature in individuals affected with CEP250-related conditions. An algorithm developed to predict the effect of missense changes on protein structure and function (PolyPhen-2) suggests that this variant is likely to be disruptive. In summary, the available evidence is currently insufficient to determine the role of this variant in disease. Therefore, it has been classified as a Variant of Uncertain Significance.

NM_007186.6(CEP250):c.2672T>C (p.Leu891Pro)

Genes: CEP250 (centrosomal protein 250; plus strand), CEP250-AS1 (CEP250 antisense RNA 1; minus strand). Cytogenetic location: 20q11.22.
Variant type: single nucleotide variant.
Coding change: c.2672T>C on transcript NM_007186.6 (MANE Select); coding-DNA position 2672, T replaced by C.
Protein change: p.Leu891Pro; replaces leucine 891 with proline.
Molecular consequence: missense variant.
Genome position (GRCh38, 1-based): chr20:35,490,722, T>C. VCF-style: chr20-35490722-T-C. GRCh37 (hg19) VCF-style: chr20-34078548-T-C.
Other names: c.776T>C, p.Leu259Pro (NM_001318219.1); short protein forms L259P, L891P.
Identifiers: ClinVar variation 3678657 (VCV003678657.2).